The following is an entry in ClinVar:

NM_000059.4(BRCA2):c.8548G>T (p.Glu2850Ter)

Gene: BRCA2 (BRCA2 DNA repair associated; plus strand). Cytogenetic location: 13q13.1.
Variant type: single nucleotide variant.
Coding change: c.8548G>T on transcript NM_000059.4 (MANE Select); coding-DNA position 8548, G replaced by T.
Protein change: p.Glu2850Ter; replaces glutamic acid 2850 with a stop codon.
Molecular consequence: nonsense.
Genome position (GRCh38, 1-based): chr13:32,371,016, G>T. VCF-style: chr13-32371016-G-T. GRCh37 (hg19) VCF-style: chr13-32945153-G-T.
Other names: short protein forms E2850*.
Identifiers: ClinVar variation 462483 (VCV000462483.20), dbSNP rs80359110, ClinGen allele CA387752774.
Genomic context (GRCh38, chr13:32,371,016, plus strand): 5'-TGGATGGAGAAGACATCATCTGGATTATACATATTTCGCAATGAAAGAGAGGAAGAAAAG[G>T]AAGCAGCAAAATATGTGGAGGCCCAACAAAAGAGACTAGAAGCCTTATTCACTAAAATTC-3'

ClinVar aggregate classification (germline): Pathogenic. Review status: criteria provided, multiple submitters, no conflicts (2 of 4 stars). 5 submissions from 5 submitters: Pathogenic (5). Last evaluated 2026-03-17.

Conditions:
Hereditary cancer-predisposing syndrome. Also called: Hereditary Cancer Syndrome; Tumor predisposition; Hereditary neoplastic syndrome; Neoplastic Syndromes, Hereditary. Identifiers: Orphanet 140162, MedGen C0027672, MeSH D009386, MONDO:0015356.
Hereditary breast ovarian cancer syndrome. Also called: Hereditary breast and ovarian cancer syndrome; Hereditary breast and/or ovarian cancer syndrome; Hereditary breast and ovarian cancer syndrome (HBOC); Hereditary breast and ovarian cancer; Breast and ovarian cancer; BRCA1- and BRCA2-Associated Hereditary Breast and Ovarian Cancer. Identifiers: Orphanet 145, MedGen C0677776, MeSH D061325, MONDO:0003582. Disease mechanism: loss of function.

Submissions (5):

Ambry Genetics
Classification: Pathogenic for Hereditary cancer-predisposing syndrome. Last evaluated: 2026-03-17. Review status: criteria provided, single submitter. Criteria: Ambry Variant Classification Scheme 2023. Collection method: clinical testing. Allele origin: germline.
Comment: The p.E2850* pathogenic mutation (also known as c.8548G>T), located in coding exon 19 of the BRCA2 gene, results from a G to T substitution at nucleotide position 8548. This changes the amino acid from a glutamic acid to a stop codon within coding exon 19. This variant is considered to be rare based on population cohorts in the Genome Aggregation Database (gnomAD). This variant is expected to result in loss of function by premature protein truncation or nonsense-mediated mRNA decay. As such, this variant is interpreted as a disease-causing mutation.

Institute for Biomarker Research, Medical Diagnostic Laboratories, L.L.C.
Classification: Pathogenic for Hereditary breast ovarian cancer syndrome. Last evaluated: 2024-10-01. Review status: criteria provided, single submitter. Criteria: ACMG Guidelines, 2015. Collection method: clinical testing. Allele origin: germline.
Comment: The stop gained NM_000059.4(BRCA2):c.8548G>T (p.Glu2850Ter) has been reported to ClinVar as Pathogenic with a status of (2 stars) criteria provided, multiple submitters, no conflicts (Variation ID 462483 as of 2024-09-05). The p.Glu2850Ter variant is novel (not in any individuals) in gnomAD. The p.Glu2850Ter variant is novel (not in any individuals) in 1kG. This variant is predicted to cause loss of normal protein function through protein truncation. The p.Glu2850Ter variant is a loss of function variant in the gene BRCA2, which is intolerant of Loss of Function variants, as indicated by the presence of existing pathogenic loss of function variant NP_000050.3:p.M1Lfs*44 and 4531 others. For these reasons, this variant has been classified as Pathogenic

Labcorp Genetics (formerly Invitae), Labcorp
Classification: Pathogenic for Hereditary breast ovarian cancer syndrome. Last evaluated: 2024-09-29. Review status: criteria provided, single submitter. Criteria: Invitae Variant Classification Sherloc (09022015). Collection method: clinical testing. Allele origin: germline.
Comment: This sequence change creates a premature translational stop signal (p.Glu2850*) in the BRCA2 gene. It is expected to result in an absent or disrupted protein product. Loss-of-function variants in BRCA2 are known to be pathogenic (PMID: 20104584). This variant is not present in population databases (gnomAD no frequency). This variant has not been reported in the literature in individuals affected with BRCA2-related conditions. ClinVar contains an entry for this variant (Variation ID: 462483). Algorithms developed to predict the effect of sequence changes on RNA splicing suggest that this variant may disrupt the consensus splice site. For these reasons, this variant has been classified as Pathogenic.

Women's Health and Genetics/Laboratory Corporation of America, LabCorp
Classification: Pathogenic for Hereditary breast ovarian cancer syndrome. Last evaluated: 2022-11-21. Review status: criteria provided, single submitter. Criteria: LabCorp Variant Classification Summary - May 2015. Collection method: clinical testing. Allele origin: germline.
Comment: Variant summary: BRCA2 c.8548G>T (p.Glu2850X) results in a premature termination codon, predicted to cause a truncation of the encoded protein or absence of the protein due to nonsense mediated decay, which are commonly known mechanisms for disease. Truncations downstream of this position have been classified as pathogenic by our laboratory. The variant was absent in 251214 control chromosomes. To our knowledge, no occurrence of c.8548G>T in individuals affected with Hereditary Breast And Ovarian Cancer Syndrome and no experimental evidence demonstrating its impact on protein function have been reported. Three clinical diagnostic laboratories have submitted clinical-significance assessments for this variant to ClinVar after 2014 without evidence for independent evaluation. All laboratories classified the variant as pathogenic. Based on the evidence outlined above, the variant was classified as pathogenic.

Color Diagnostics, LLC DBA Color Health
Classification: Pathogenic for Hereditary cancer-predisposing syndrome. Last evaluated: 2020-03-02. Review status: criteria provided, single submitter. Criteria: ACMG Guidelines, 2015. Collection method: clinical testing. Allele origin: germline.
Comment: This variant changes 1 nucleotide in exon 20 of the BRCA2 gene, creating a premature translation stop signal. This variant is expected to result in an absent or non-functional protein product. To our knowledge, this variant has not been reported in individuals affected with hereditary cancer in the literature. This variant has not been identified in the general population by the Genome Aggregation Database (gnomAD). Loss of BRCA2 function is a known mechanism of disease. Based on the available evidence, this variant is classified as Pathogenic.

Literature cited by the submitters: PubMed 20104584 (cited by Labcorp Genetics (formerly Invitae), Labcorp).